The following is an entry in ClinVar:

ClinVar aggregate classification (germline): Uncertain significance (1 of 4 stars; one submission).

Conditions:
CLCN5-related disorder. Also called: CLCN5-related condition.

Submission:

PreventionGenetics, part of Exact Sciences
Classification: Uncertain significance for CLCN5-related condition. Last evaluated: 2023-07-27. Review status: criteria provided, single submitter. Criteria: ACMG Guidelines, 2015. Collection method: clinical testing. Allele origin: germline.
Comment: The CLCN5 c.2131T>C variant is predicted to result in the amino acid substitution p.Cys711Arg. This variant was reported in an individual with suspected Dent disease (Sakakibara et al. 2020. PubMed ID: 32683654, supplementary table 1). This variant was also reported in an individual who presented with nephrocalcinosis and hypercalciuria (Huang et al. 2022. PubMed ID: 35612621). This variant has not been reported in a large population database, indicating this variant is rare. Although we suspect that this variant may be pathogenic, at this time, the clinical significance of this variant is uncertain due to the absence of conclusive functional and genetic evidence.

NM_001127898.4(CLCN5):c.2341T>C (p.Cys781Arg)

Genes: CLCN5 (chloride voltage-gated channel 5; plus strand), LOC126863258 (BRD4-independent group 4 enhancer GRCh37_chrX:49854497-49855696; plus strand). Cytogenetic location: Xp11.23.
Variant type: single nucleotide variant.
Coding change: c.2341T>C on transcript NM_001127898.4 (MANE Select); coding-DNA position 2341, T replaced by C.
Protein change: p.Cys781Arg; replaces cysteine 781 with arginine.
Molecular consequence: missense variant.
Genome position (GRCh38, 1-based): chrX:50,090,867, T>C. VCF-style: chrX-50090867-T-C. GRCh37 (hg19) VCF-style: chrX-49855524-T-C.
Other names: c.2131T>C, p.Cys711Arg (NM_000084.5); c.2341T>C, p.Cys781Arg (NM_001127899.4); c.2191T>C, p.Cys731Arg (NM_001282163.2); short protein forms C711R, C731R, C781R.
Identifiers: ClinVar variation 2631817 (VCV002631817.1), dbSNP rs2519447346, ClinGen allele CA413191454.